The following is an entry in ClinVar:

ClinVar aggregate classification (germline): Likely benign (0 of 4 stars; one submission).

Conditions:
NRP2-related disorder. Also called: NRP2-related condition.

Submission:

PreventionGenetics, part of Exact Sciences
Classification: Likely benign for NRP2-related condition. Last evaluated: 2024-02-22. Review status: no assertion criteria provided. Collection method: clinical testing. Allele origin: germline.
Comment: This variant is classified as likely benign based on ACMG/AMP sequence variant interpretation guidelines (Richards et al. 2015 PMID: 25741868, with internal and published modifications).

NM_003872.3(NRP2):c.1920C>T (p.Leu640=)

Genes: NRP2 (neuropilin 2; plus strand), LOC126806481 (CDK7 strongly-dependent group 2 enhancer GRCh37_chr2:206617009-206618208; plus strand). Cytogenetic location: 2q33.3.
Variant type: single nucleotide variant.
Coding change: c.1920C>T on transcript NM_003872.3 (MANE Select); coding-DNA position 1920, C replaced by T.
Protein change: p.Leu640=; no amino-acid change (leucine 640 retained).
Molecular consequence: synonymous variant.
Genome position (GRCh38, 1-based): chr2:205,752,851, C>T. VCF-style: chr2-205752851-C-T. GRCh37 (hg19) VCF-style: chr2-206617575-C-T.
Other names: c.1920C>T, p.Leu640= (NM_018534.4, NM_201266.2, NM_201267.2 and 1 more transcripts).
Identifiers: ClinVar variation 3348618 (VCV003348618.1).
Genomic context (GRCh38, chr2:205,752,851, plus strand): 5'-CCATTTCATTTGCCTTCCTTTGGGTTATTGTTTTCCCCTTTTAGACAAAGATTTGCAGCT[C>T]CCTTCGGGATTCAATTGCAACTTCGATTTCCTCGAGGAGCCCTGTGGTTGGATGTATGAC-3'
Protein context (NP_003863.2, residues 630-650): CSFEDDKDLQ[Leu640=]PSGFNCNFDF